The following is an entry in ClinVar:

NM_052813.5(CARD9):c.1355A>T (p.Lys452Ile)

Gene: CARD9 (caspase recruitment domain family member 9; minus strand). Cytogenetic location: 9q34.3.
Variant type: single nucleotide variant.
Coding change: c.1355A>T on transcript NM_052813.5 (MANE Select); coding-DNA position 1355, A replaced by T.
Protein change: p.Lys452Ile; replaces lysine 452 with isoleucine.
Molecular consequence: missense variant.
Genome position (GRCh38, 1-based): chr9:136,366,802, T>A on the plus strand (A>T on the coding strand, the complement: CARD9 is on the minus strand). VCF-style: chr9-136366802-T-A. GRCh37 (hg19) VCF-style: chr9-139261254-T-A.
Other names: c.1355A>T, p.Lys452Ile (NM_052814.4); short protein forms K452I.
Identifiers: ClinVar variation 1356560 (VCV001356560.5), dbSNP rs1833134746, ClinGen allele CA375542025.

ClinVar aggregate classification (germline): Uncertain significance (1 of 4 stars; one submission).

Conditions:
Predisposition to invasive fungal disease due to CARD9 deficiency (IMD103). Also called: Candidiasis, familial, 2, autosomal recessive; IMMUNODEFICIENCY 103, SUSCEPTIBILITY TO FUNGAL INFECTIONS; CARD9 IMMUNODEFICIENCY. Identifiers: Orphanet 457088, MedGen C1859353, MONDO:0008905, OMIM 212050.

Allele frequency attached by ClinVar (database versions not stated): TOPMed 0.00001.

Submission:

Labcorp Genetics (formerly Invitae), Labcorp
Classification: Uncertain significance for Predisposition to invasive fungal disease due to CARD9 deficiency. Last evaluated: 2021-09-24. Review status: criteria provided, single submitter. Criteria: Invitae Variant Classification Sherloc (09022015). Collection method: clinical testing. Allele origin: germline.
Comment: This sequence change replaces lysine with isoleucine at codon 452 of the CARD9 protein (p.Lys452Ile). The lysine residue is moderately conserved and there is a moderate physicochemical difference between lysine and isoleucine. This variant is not present in population databases (ExAC no frequency). This variant has not been reported in the literature in individuals with CARD9-related conditions. Algorithms developed to predict the effect of missense changes on protein structure and function are either unavailable or do not agree on the potential impact of this missense change (SIFT: "Deleterious"; PolyPhen-2: "Benign"; Align-GVGD: "Class C0"). In summary, the available evidence is currently insufficient to determine the role of this variant in disease. Therefore, it has been classified as a Variant of Uncertain Significance.